The following is an entry in ClinVar:

ClinVar aggregate classification (germline): Uncertain significance. Review status: criteria provided, multiple submitters, no conflicts (2 of 4 stars). 2 submissions from 2 submitters: Uncertain significance (2). Last evaluated 2025-10-09.

Submissions (2):

Dasa
Classification: Uncertain significance. Last evaluated: 2025-10-09. Review status: criteria provided, single submitter. Criteria: DASA Assertion Criteria. Collection method: clinical testing. Allele origin: germline.
Comment: NM_001014987.2(LAT):c.418_420del (p.Thr140del) is an in-frame deletion predicted to remove threonine at protein position 140 without shifting the reading frame. This variant is rare in population databases. The currently available literature and clinical evidence are not sufficient to establish a definitive association between this variant and the reported condition. Therefore, this variant is classified as a variant of uncertain significance.

Blueprint Genetics
Classification: Uncertain significance. Last evaluated: 2019-07-23. Review status: criteria provided, single submitter. Criteria: ACMG Guidelines, 2015. Collection method: clinical testing. Allele origin: germline.

NM_001014987.2(LAT):c.418_420del (p.Thr140del)

Gene: LAT (linker for activation of T cells; plus strand). Cytogenetic location: 16p11.2.
Variant type: Deletion.
Coding change: c.418_420del on transcript NM_001014987.2 (MANE Select); coding-DNA positions 418 to 420, 3 bases deleted (ACC; older notation c.418_420delACC).
Protein change: p.Thr140del; deletes threonine 140.
Molecular consequence: inframe deletion.
Genome position (GRCh38, 1-based): chr16:28,986,818-28,986,820, ACC deleted; deleting any 3 consecutive bases within chr16:28,986,817-28,986,820 gives the same sequence; the c. name uses the placement nearest the transcript's 3' end. VCF-style (leftmost placement, unchanged base first): chr16-28986816-GCAC-G. GRCh37 (hg19) VCF-style: chr16-28998137-GCAC-G.
Other names: c.415_417del, p.Thr139del (NM_001014988.2); c.526_528del, p.Thr176del (NM_001014989.2); c.505_507del, p.Thr169del (NM_014387.4); short protein forms T139del, T140del, T169del, T176del.
Identifiers: ClinVar variation 4886332 (VCV004886332.3).